The following is an entry in ClinVar:

NM_015166.4(MLC1):c.772-2_772-1inv

Gene: MLC1 (modulator of VRAC current 1; minus strand). Cytogenetic location: 22q13.33.
Variant type: Inversion.
Coding change: c.772-2_772-1inv on transcript NM_015166.4 (MANE Select).
Molecular consequence: splice acceptor variant.
Genome position: GRCh38 VCF-style: chr22-50068556-CT-AG. GRCh37 (hg19) VCF-style: chr22-50506985-CT-AG.
Other names: c.772-2_772-1inv (NM_001376474.1, NM_001376475.1, NM_001376476.1 and 5 more transcripts); c.535-2_535-1inv (NM_001376484.1); c.682-2_682-1inv (NM_001376480.1); c.616-2_616-1inv (NM_001376482.1, NM_001376483.1); c.670-2_670-1inv (NM_001376481.1); c.715-2_715-1inv (NM_001376479.1).
Identifiers: ClinVar variation 4815819 (VCV004815819.1).

ClinVar aggregate classification (germline): Pathogenic (1 of 4 stars; one submission).

Conditions:
Megalencephalic leukoencephalopathy with subcortical cysts. Also called: VAN DER KNAAP DISEASE. Identifiers: Orphanet 2478, MedGen C1858854, MONDO:0011391.

Submission:

Natera, Inc.
Classification: Pathogenic for Megalencephalic leukoencephalopathy with subcortical cysts. Last evaluated: 2024-12-27. Review status: criteria provided, single submitter. Criteria: Natera Variant Classification Schema (03/2026). Collection method: clinical testing. Allele origin: germline.
Comment: The c.772-2_772-1delinsCT variant in MLC1 is a canonical splice acceptor site variant predicted to affect pre-mRNA splicing, which may result in an abnormal transcript and altered protein product. This variant is expected to result in nonsense mediated decay, truncation, or a dysfunctional protein product. This variant is rare in the general population with a frequency below the threshold expected for the associated phenotype(s). Another variant at this same site results in an alteration predicted to cause a similar molecular effect has been observed in individual(s) with the associated phenotype. Given the available evidence, this variant is classified as Pathogenic.